The following is an entry in ClinVar:

NC_000003.12:g.169764861G>A

Genes: TERC (telomerase RNA component; minus strand), LOC110806306 (telomerase RNA component (TERC) promoter; plus strand). Cytogenetic location: 3q26.2.
Variant type: single nucleotide variant.
Genome position: GRCh38 VCF-style: chr3-169764861-G-A. GRCh37 (hg19) VCF-style: chr3-169482649-G-A.
Identifiers: ClinVar variation 1040894 (VCV001040894.7), dbSNP rs1777961769, ClinGen allele CA436715434.
Genomic context (GRCh38, chr3:169,764,861, plus strand): 5'-CCGCGGCCTCCAGGCGGGGTTCGGGGGCTGGGCAGGCGACCCGCCGCAGGTCCCCGGGAG[G>A]GGCGAACGGGCCAGCAGCTGACATTTTTTGTTTGCTCTAGAATGAACGGTGGAAGGCGGC-3'

ClinVar aggregate classification (germline): Uncertain significance (1 of 4 stars; one submission).

Conditions:
Dyskeratosis congenita, autosomal dominant 1 (DKCA1). Also called: Dyskeratosis congenita Scoggins type. Identifiers: Orphanet 1775, MedGen C4551974, MONDO:0007485, OMIM 127550. Inheritance: Variable.

Submission:

Labcorp Genetics (formerly Invitae), Labcorp
Classification: Uncertain significance for Dyskeratosis congenita, autosomal dominant 1. Last evaluated: 2023-10-11. Review status: criteria provided, single submitter. Criteria: Invitae Variant Classification Sherloc (09022015). Collection method: clinical testing. Allele origin: germline.
Comment: This variant occurs in the TERC gene, which encodes an RNA molecule that does not result in a protein product. This variant is not present in population databases (gnomAD no frequency). This variant has not been reported in the literature in individuals affected with TERC-related conditions. ClinVar contains an entry for this variant (Variation ID: 1040894). This variant is located within the hypervariable region that is not conserved in the TERC RNA component (PMID: 10721988, 21844345). The functional significance of this region is not well understood. In summary, the available evidence is currently insufficient to determine the role of this variant in disease. Therefore, it has been classified as a Variant of Uncertain Significance.

Literature cited by the submitters: PubMed 10721988; PubMed 21844345.